The following is an entry in ClinVar:

NM_000091.5(COL4A3):c.4307del (p.Gly1436fs)

Genes: MFF-DT (MFF divergent transcript; minus strand), COL4A3 (collagen type IV alpha 3 chain; plus strand). Cytogenetic location: 2q36.3.
Variant type: Deletion.
Coding change: c.4307del on transcript NM_000091.5 (MANE Select); coding-DNA position 4307, one base deleted (G; older notation c.4307delG).
Protein change: p.Gly1436fs; shifts the reading frame from glycine 1436.
Molecular consequence: frameshift variant.
Genome position (GRCh38, 1-based): chr2:227,307,764, G deleted; the last of 2 consecutive G bases (chr2:227,307,763-227,307,764); deleting either gives the same sequence. VCF-style (leftmost placement, unchanged base first): chr2-227307762-TG-T. GRCh37 (hg19) VCF-style: chr2-228172478-TG-T.
Other names: short protein forms G1436fs.
Identifiers: ClinVar variation 1725970 (VCV001725970.2), dbSNP rs2469930937, ClinGen allele CA2580065897.

ClinVar aggregate classification (germline): Likely pathogenic (1 of 4 stars; one submission).

Conditions:
Autosomal recessive Alport syndrome (ATS2). Also called: Alport syndrome type 2; COL4A4 Alport Syndrome and Thin Basement Membrane Nephropathy; ALPORT SYNDROME 2, AUTOSOMAL RECESSIVE; COL4A3-Related Nephropathy. Identifiers: Orphanet 63, Orphanet 88919, MedGen C4746745, MONDO:0008762, OMIM 203780.

Submission:

Myriad Genetics, Inc.
Classification: Likely pathogenic for Autosomal recessive Alport syndrome. Last evaluated: 2021-12-08. Review status: criteria provided, single submitter. Criteria: Myriad Women's Health Autosomal Recessive and X-Linked Classification Criteria (2021). Collection method: clinical testing. Allele origin: unknown.
Comment: NM_000091.4(COL4A3):c.4307delG(G1436Dfs*93) is expected to be pathogenic in the context of COL4A3-related Alport syndrome. This variant is predicted to lead to an abnormal or absent protein product due to the creation of a premature termination codon in COL4A3, a gene where loss-of-function variants are known to be pathogenic. Please note: this variant was assessed in the context of healthy population screening.